The following is an entry in ClinVar:

NM_001369369.1(FOXN1):c.497C>T (p.Ala166Val)

Gene: FOXN1 (forkhead box N1; plus strand). Cytogenetic location: 17q11.2.
Variant type: single nucleotide variant.
Coding change: c.497C>T on transcript NM_001369369.1 (MANE Select); coding-DNA position 497, C replaced by T.
Protein change: p.Ala166Val; replaces alanine 166 with valine.
Molecular consequence: missense variant.
Genome position (GRCh38, 1-based): chr17:28,524,876, C>T. VCF-style: chr17-28524876-C-T. GRCh37 (hg19) VCF-style: chr17-26851894-C-T.
Other names: c.497C>T, p.Ala166Val (NM_003593.3); short protein forms A166V.
Identifiers: ClinVar variation 322417 (VCV000322417.18), dbSNP rs367793349, ClinGen allele CA8459243.

ClinVar aggregate classification (germline): Conflicting classifications of pathogenicity. Review status: criteria provided, conflicting classifications (1 of 4 stars). 5 submissions from 5 submitters: Uncertain significance (3); Benign (1); Likely benign (1). Last evaluated 2026-02-11.

Conditions:
FOXN1-related disorder. Also called: FOXN1-related condition.
T-cell immunodeficiency, congenital alopecia, and nail dystrophy. Also called: Congenital alopecia and nail dystrophy associated with severe functional T-cell immunodeficiency; Pignata Guarino syndrome. Identifiers: Orphanet 169095, MedGen C1866426, MONDO:0011132, OMIM 601705.

Allele frequency attached by ClinVar (database versions not stated): ESP Exome Variant Server 0.00008; gnomAD 0.00013 and 0.00019; TOPMed 0.00015; gnomAD exomes 0.00018 and 0.00034; ExAC 0.00039; 1000 Genomes Project 0.00040; 1000 Genomes Project 30x 0.00047.
gnomAD v4.1: 308 of 1,613,652 alleles (0.019%); highest among the groups gnomAD compares: South Asian, 0.23%; 2 homozygotes.

Submissions (5):

PreventionGenetics, part of Exact Sciences
Classification: Uncertain significance for FOXN1-related condition. Last evaluated: 2026-02-11. Review status: criteria provided, single submitter. Criteria: ACMG Guidelines, 2015. Collection method: clinical testing. Allele origin: germline.
Comment: The FOXN1 c.497C>T variant is predicted to result in the amino acid substitution p.Ala166Val. To our knowledge, this variant has not been reported in the literature. This variant is reported in 0.21% of alleles in individuals of South Asian descent in gnomAD, which may be too common to be causative. Although we suspect that this variant may be benign, at this time, the clinical significance of this variant is uncertain due to the absence of conclusive functional and genetic evidence.

Labcorp Genetics (formerly Invitae), Labcorp
Classification: Likely benign for T-cell immunodeficiency, congenital alopecia, and nail dystrophy. Last evaluated: 2026-01-28. Review status: criteria provided, single submitter. Criteria: Invitae Variant Classification Sherloc (09022015). Collection method: clinical testing. Allele origin: germline.

Blueprint Genetics
Classification: Benign. Last evaluated: 2024-11-06. Review status: criteria provided, single submitter. Criteria: ACMG Guidelines, 2015. Collection method: clinical testing. Allele origin: germline.

Baylor Genetics
Classification: Uncertain significance for T-cell immunodeficiency, congenital alopecia, and nail dystrophy. Last evaluated: 2020-01-21. Review status: criteria provided, single submitter. Criteria: ACMG Guidelines, 2015. Collection method: clinical testing. Allele origin: unknown. Affected: yes.
Comment: This variant was determined to be of uncertain significance according to ACMG Guidelines, 2015 [PMID:25741868].

Illumina Laboratory Services, Illumina
Classification: Uncertain significance for T-cell immunodeficiency, congenital alopecia, and nail dystrophy. Last evaluated: 2018-01-13. Review status: criteria provided, single submitter. Criteria: ICSL Variant Classification Criteria 13 December 2019. Collection method: clinical testing. Allele origin: germline.